The following is an entry in ClinVar:

NM_000321.3(RB1):c.333T>C (p.Asp111=)

Gene: RB1 (RB transcriptional corepressor 1; plus strand). Cytogenetic location: 13q14.2.
Variant type: single nucleotide variant.
Coding change: c.333T>C on transcript NM_000321.3 (MANE Select); coding-DNA position 333, T replaced by C.
Protein change: p.Asp111=; no amino-acid change (aspartic acid 111 retained).
Molecular consequence: synonymous variant.
Genome position (GRCh38, 1-based): chr13:48,342,667, T>C. VCF-style: chr13-48342667-T-C. GRCh37 (hg19) VCF-style: chr13-48916803-T-C.
Other names: c.333T>C, p.Asp111= (NM_001407165.1, NM_001407166.1).
Identifiers: ClinVar variation 2450491 (VCV002450491.3), dbSNP rs576233044, ClinGen allele CA037596.

ClinVar aggregate classification (germline): Conflicting classifications of pathogenicity. Review status: criteria provided, conflicting classifications (1 of 4 stars). 2 submissions from 2 submitters: Uncertain significance (1); Likely benign (1). Last evaluated 2022-11-22.

Conditions:
Hereditary cancer-predisposing syndrome. Also called: Neoplastic Syndromes, Hereditary; Tumor predisposition; Hereditary neoplastic syndrome; Hereditary Cancer Syndrome. Identifiers: Orphanet 140162, MedGen C0027672, MeSH D009386, MONDO:0015356.

Allele frequency attached by ClinVar (database versions not stated): gnomAD exomes below 0.00001; gnomAD 0.00001; TOPMed 0.00001; ExAC 0.00002; 1000 Genomes Project 0.00020; 1000 Genomes Project 30x 0.00031.
gnomAD v4.1: 4 of 1,611,590 alleles (0.00025%); highest among the groups gnomAD compares: African/African-American, 0.0053%; no homozygotes.

Submissions (2):

GeneDx
Classification: Uncertain significance. Last evaluated: 2022-11-22. Review status: criteria provided, single submitter. Criteria: GeneDx Variant Classification Process June 2021. Collection method: clinical testing. Allele origin: germline. Affected: yes.
Comment: Not observed at significant frequency in large population cohorts (gnomAD); In silico analysis supports that this variant does not alter splicing; Has not been previously published as pathogenic or benign to our knowledge

Ambry Genetics
Classification: Likely benign for Hereditary cancer-predisposing syndrome. Last evaluated: 2022-11-04. Review status: criteria provided, single submitter. Criteria: Ambry Variant Classification Scheme 2023. Collection method: clinical testing. Allele origin: germline.